The following is an entry in ClinVar:

NM_007078.3(LDB3):c.10A>C (p.Ser4Arg)

Gene: LDB3 (LIM domain binding 3; plus strand). Cytogenetic location: 10q23.2.
Variant type: single nucleotide variant.
Coding change: c.10A>C on transcript NM_007078.3 (MANE Select); coding-DNA position 10, A replaced by C.
Protein change: p.Ser4Arg; replaces serine 4 with arginine.
Molecular consequence: missense variant.
Genome position (GRCh38, 1-based): chr10:86,668,701, A>C. VCF-style: chr10-86668701-A-C. GRCh37 (hg19) VCF-style: chr10-88428458-A-C.
Other names: c.10A>C, p.Ser4Arg (NM_001080114.2, NM_001080115.2, NM_001080116.1 and 8 more transcripts); short protein forms S4R.
Identifiers: ClinVar variation 180025 (VCV000180025.7), dbSNP rs727505295, ClinGen allele CA185660.

ClinVar aggregate classification (germline): Uncertain significance. Review status: criteria provided, multiple submitters, no conflicts (2 of 4 stars). 2 submissions from 2 submitters: Uncertain significance (2). Last evaluated 2023-08-14.

Conditions:
Myofibrillar myopathy 4. Also called: Zaspopathy (type). Identifiers: Orphanet 98912, MedGen C4721886, MONDO:0012277, OMIM 609452.

Allele frequency attached by ClinVar (database versions not stated): gnomAD exomes below 0.00001.
gnomAD v4.1: 1 of 1,613,242 alleles (0.000062%); highest among the groups gnomAD compares: Non-Finnish European, 0.000085%; no homozygotes.

Submissions (2):

Labcorp Genetics (formerly Invitae), Labcorp
Classification: Uncertain significance for Myofibrillar myopathy 4. Last evaluated: 2023-08-14. Review status: criteria provided, single submitter. Criteria: Invitae Variant Classification Sherloc (09022015). Collection method: clinical testing. Allele origin: germline.
Comment: This sequence change replaces serine, which is neutral and polar, with arginine, which is basic and polar, at codon 4 of the LDB3 protein (p.Ser4Arg). This variant is not present in population databases (gnomAD no frequency). This missense change has been observed in individual(s) with left ventricular noncompaction (PMID: 33500567). ClinVar contains an entry for this variant (Variation ID: 180025). An algorithm developed to predict the effect of missense changes on protein structure and function (PolyPhen-2) suggests that this variant is likely to be disruptive. In summary, the available evidence is currently insufficient to determine the role of this variant in disease. Therefore, it has been classified as a Variant of Uncertain Significance.

Laboratory for Molecular Medicine, Mass General Brigham Personalized Medicine
Classification: Uncertain significance. Last evaluated: 2014-10-06. Review status: criteria provided, single submitter. Criteria: LMM Criteria. Collection method: clinical testing. Allele origin: germline. Observed: 1 variant allele.

Literature cited by the submitters: PubMed 33500567 (cited by Labcorp Genetics (formerly Invitae), Labcorp).